The following is an entry in ClinVar:

ClinVar aggregate classification (germline): Uncertain significance. Review status: criteria provided, multiple submitters, no conflicts (2 of 4 stars). 6 submissions from 6 submitters: Uncertain significance (5). 1 of the submissions does not count toward it. Last evaluated 2025-10-16.

Conditions:
Haddad syndrome (OHD). Also called: Ondine-Hirschsprung disease. Identifiers: Orphanet 99803, MedGen C1859049, MONDO:0020493.
Hereditary cancer-predisposing syndrome. Also called: Tumor predisposition; Hereditary neoplastic syndrome; Neoplastic Syndromes, Hereditary; Hereditary Cancer Syndrome. Identifiers: Orphanet 140162, MedGen C0027672, MeSH D009386, MONDO:0015356.
Neuroblastoma, susceptibility to, 2. Identifiers: Orphanet 635, MedGen C2751682, MONDO:0700041, OMIM 613013.

Allele frequency attached by ClinVar (database versions not stated): gnomAD exomes below 0.00001; gnomAD 0.00001.

Submissions (6):

Institute for Genomic Medicine (IGM) Clinical Laboratory, Nationwide Children's Hospital
Classification: Uncertain significance for Neuroblastoma, susceptibility to, 2. Last evaluated: 2025-10-16. Review status: criteria provided, single submitter. Criteria: ACMG Guidelines, 2015. Collection method: clinical testing. Allele origin: germline.
Comment: This variant is absent from or present at an exceedingly low frequency in gnomAD, a large-scale control population database (ACMG/AMP: PM2).

Labcorp Genetics (formerly Invitae), Labcorp
Classification: Uncertain significance for Haddad syndrome. Last evaluated: 2024-10-22. Review status: criteria provided, single submitter. Criteria: Invitae Variant Classification Sherloc (09022015). Collection method: clinical testing. Allele origin: germline.
Comment: This sequence change replaces glycine, which is neutral and non-polar, with serine, which is neutral and polar, at codon 276 of the PHOX2B protein (p.Gly276Ser). This variant is not present in population databases (gnomAD no frequency). This variant has not been reported in the literature in individuals affected with PHOX2B-related conditions. ClinVar contains an entry for this variant (Variation ID: 135035). Experimental studies and prediction algorithms are not available or were not evaluated, and the functional significance of this variant is currently unknown. In summary, the available evidence is currently insufficient to determine the role of this variant in disease. Therefore, it has been classified as a Variant of Uncertain Significance.

Ambry Genetics
Classification: Uncertain significance for Hereditary cancer-predisposing syndrome. Last evaluated: 2024-10-11. Review status: criteria provided, single submitter. Criteria: Ambry Variant Classification Scheme 2023. Collection method: clinical testing. Allele origin: germline.
Comment: The p.G276S variant (also known as c.826G>A), located in coding exon 3 of the PHOX2B gene, results from a G to A substitution at nucleotide position 826. The glycine at codon 276 is replaced by serine, an amino acid with similar properties. This amino acid position is well conserved in available vertebrate species. This variant was identified in a cohort of 681 ancestrally diverse, healthy subjects (Bodian DL et al. PLoS One, 2014 Apr;9:e94554). In addition, this alteration is predicted to be tolerated by in silico analysis. Since supporting evidence is limited at this time, the clinical significance of this alteration remains unclear.

Baylor Genetics
Classification: Uncertain significance for Neuroblastoma, susceptibility to, 2. Last evaluated: 2024-03-01. Review status: criteria provided, single submitter. Criteria: ACMG Guidelines, 2015. Collection method: clinical testing. Allele origin: unknown.

GeneDx
Classification: Uncertain significance. Last evaluated: 2021-05-17. Review status: criteria provided, single submitter. Criteria: GeneDx Variant Classification Process June 2021. Collection method: clinical testing. Allele origin: germline. Affected: yes.
Comment: Not observed at a significant frequency in large population cohorts (Lek 2016); In silico analysis supports that this missense variant does not alter protein structure/function; Identified in healthy individuals undergoing whole genome sequencing (Bodian 2014); This variant is associated with the following publications: (PMID: 24728327)

ITMI
No classification provided. Condition: AllHighlyPenetrant. Last evaluated: 2013-09-19. Review status: no classification provided. Collection method: reference population. Allele origin: germline. Not counted in ClinVar's aggregate classification.
Comment: Please see associated publication for description of ethnicities

Literature cited by the submitters: PubMed 24728327 (cited by Ambry Genetics and ITMI).

NM_003924.4(PHOX2B):c.826G>A (p.Gly276Ser)

Gene: PHOX2B (paired like homeobox 2B; minus strand). Cytogenetic location: 4p13.
Variant type: single nucleotide variant.
Coding change: c.826G>A on transcript NM_003924.4 (MANE Select); coding-DNA position 826, G replaced by A.
Protein change: p.Gly276Ser; replaces glycine 276 with serine.
Molecular consequence: missense variant.
Genome position (GRCh38, 1-based): chr4:41,745,926, C>T on the plus strand (G>A on the coding strand, the complement: PHOX2B is on the minus strand). VCF-style: chr4-41745926-C-T. GRCh37 (hg19) VCF-style: chr4-41747943-C-T.
Other names: short protein forms G276S.
Identifiers: ClinVar variation 135035 (VCV000135035.19), dbSNP rs587778607, ClinGen allele CA161481.